The following is an entry in ClinVar:

ClinVar aggregate classification (germline): Uncertain significance (1 of 4 stars; one submission).

Conditions:
RASopathy. Also called: rasopathies; Noonan spectrum disorder. Identifiers: Orphanet 536391, MedGen C5555857, MONDO:0021060.

Allele frequency attached by ClinVar (database versions not stated): gnomAD exomes below 0.00001.
gnomAD v4.1: 2 of 1,613,852 alleles (0.00012%); highest among the groups gnomAD compares: Non-Finnish European, 0.00017%; no homozygotes.

Submission:

Labcorp Genetics (formerly Invitae), Labcorp
Classification: Uncertain significance for RASopathy. Last evaluated: 2024-10-24. Review status: criteria provided, single submitter. Criteria: Invitae Variant Classification Sherloc (09022015). Collection method: clinical testing. Allele origin: germline.
Comment: This sequence change replaces isoleucine, which is neutral and non-polar, with threonine, which is neutral and polar, at codon 544 of the BRAF protein (p.Ile544Thr). This variant is not present in population databases (gnomAD no frequency). This variant has not been reported in the literature in individuals affected with BRAF-related conditions. ClinVar contains an entry for this variant (Variation ID: 2095479). Invitae Evidence Modeling of protein sequence and biophysical properties (such as structural, functional, and spatial information, amino acid conservation, physicochemical variation, residue mobility, and thermodynamic stability) indicates that this missense variant is not expected to disrupt BRAF protein function with a negative predictive value of 80%. In summary, the available evidence is currently insufficient to determine the role of this variant in disease. Therefore, it has been classified as a Variant of Uncertain Significance.

NM_004333.6(BRAF):c.1631T>C (p.Ile544Thr)

Gene: BRAF (B-Raf proto-oncogene, serine/threonine kinase; minus strand). Cytogenetic location: 7q34.
Variant type: single nucleotide variant.
Coding change: c.1631T>C on transcript NM_004333.6 (MANE Select); coding-DNA position 1631, T replaced by C.
Protein change: p.Ile544Thr; replaces isoleucine 544 with threonine.
Molecular consequence: missense variant.
Genome position (GRCh38, 1-based): chr7:140,776,975, A>G on the plus strand (T>C on the coding strand, the complement: BRAF is on the minus strand). VCF-style: chr7-140776975-A-G. GRCh37 (hg19) VCF-style: chr7-140476775-A-G.
Other names: c.1631T>C, p.Ile544Thr (NM_001354609.2, NM_001378468.1, NM_001378474.1); c.1751T>C, p.Ile584Thr (NM_001374244.1, NM_001374258.1); c.1640T>C, p.Ile547Thr (NM_001378467.1); c.1565T>C, p.Ile522Thr (NM_001378469.1); c.1529T>C, p.Ile510Thr (NM_001378470.1); c.1520T>C, p.Ile507Thr (NM_001378471.1); c.1475T>C, p.Ile492Thr (NM_001378472.1, NM_001378473.1); c.1367T>C, p.Ile456Thr (NM_001378475.1); short protein forms I492T, I456T, I510T, I522T, I544T, I507T, I547T, I584T.
Identifiers: ClinVar variation 2095479 (VCV002095479.4), dbSNP rs1562954612, ClinGen allele CA369588025.